The following is an entry in ClinVar:

NM_017617.5(NOTCH1):c.3925A>G (p.Asn1309Asp)

Gene: NOTCH1 (notch receptor 1; minus strand). Cytogenetic location: 9q34.3.
Variant type: single nucleotide variant.
Coding change: c.3925A>G on transcript NM_017617.5 (MANE Select); coding-DNA position 3925, A replaced by G.
Protein change: p.Asn1309Asp; replaces asparagine 1309 with aspartic acid.
Molecular consequence: missense variant.
Genome position (GRCh38, 1-based): chr9:136,506,616, T>C on the plus strand (A>G on the coding strand, the complement: NOTCH1 is on the minus strand). VCF-style: chr9-136506616-T-C. GRCh37 (hg19) VCF-style: chr9-139401068-T-C.
Other names: short protein forms N1309D.
Identifiers: ClinVar variation 4994866 (VCV004994866.1).
Genomic context (GRCh38, chr9:136,506,616, plus strand): 5'-CGGTGTTGGAGGCCACGGCGCAGGTGCCCCCATTCTTGCAGGGCTTGCCTTTGCAGCCAT[T>C]GATGACGGACTCGCAGCGGCGCCCTAGGGGTAAGAGCAGGGCAGTGAGAGGCTCACCCTG-3'
Protein context (NP_060087.3, residues 1299-1319): HTGRRCESVI[Asn1309Asp]GCKGKPCKNG

ClinVar aggregate classification (germline): Uncertain significance (1 of 4 stars; one submission).

Conditions:
NOTCH1-related disorder. Also called: NOTCH1-related disorders; NOTCH1-related condition.

Submission:

PreventionGenetics, part of Exact Sciences
Classification: Uncertain significance for NOTCH1-related condition. Last evaluated: 2026-07-21. Review status: criteria provided, single submitter. Criteria: ACMG Guidelines, 2015. Collection method: clinical testing. Allele origin: germline.
Comment: The NOTCH1 c.3925A>G variant is predicted to result in the amino acid substitution p.Asn1309Asp. To our knowledge, this variant has not been reported in the literature or in a large population database (gnomAD), indicating this variant is rare. At this time, the clinical significance of this variant is uncertain due to the absence of conclusive functional and genetic evidence.